The following is an entry in ClinVar:

ClinVar aggregate classification (germline): Likely benign (1 of 4 stars; one submission).

Conditions:
Familial cancer of breast. Also called: BREAST CANCER, FAMILIAL; Hereditary breast cancer; hereditary breast carcinoma. Identifiers: Orphanet 227535, MedGen C0346153, MONDO:0016419, OMIM 114480. Disease mechanism: loss of function.

Submission:

Myriad Genetics, Inc.
Classification: Likely benign for Familial cancer of breast. Last evaluated: 2024-05-01. Review status: criteria provided, single submitter. Criteria: Myriad Autosomal Dominant, Autosomal Recessive and X-Linked Classification Criteria (2023). Collection method: clinical testing. Allele origin: unknown.
Comment: This variant is considered likely benign. This variant is intronic and is not expected to impact mRNA splicing.

NM_000051.4(ATM):c.1802+10G>T

Gene: ATM (ATM serine/threonine kinase; plus strand). Cytogenetic location: 11q22.3.
Variant type: single nucleotide variant.
Coding change: c.1802+10G>T on transcript NM_000051.4 (MANE Select); 10 bases into the intron after coding-DNA position 1802, G replaced by T.
Molecular consequence: intron variant.
Genome position (GRCh38, 1-based): chr11:108,252,041, G>T. VCF-style: chr11-108252041-G-T. GRCh37 (hg19) VCF-style: chr11-108122768-G-T.
Other names: c.1802+10G>T (NM_001351834.2).
Identifiers: ClinVar variation 3254251 (VCV003254251.1), dbSNP rs1237413422.
Genomic context (GRCh38, chr11:108,252,041, plus strand): 5'-GTTAGAGGGTGACTTAGAAAATAGCACAGAAGTGCCTCCAATTCTTCACAGGTAATTTAA[G>T]TTCATTAGCATGCTGCTGTTTTTTTTGTTTGTTTTATCAGGCTCTCTCCACTTATTTGAT-3'